The following is an entry in ClinVar:

NM_182916.3(TRNT1):c.185C>G (p.Ala62Gly)

Gene: TRNT1 (tRNA nucleotidyl transferase 1; plus strand). Cytogenetic location: 3p26.2.
Variant type: single nucleotide variant.
Coding change: c.185C>G on transcript NM_182916.3 (MANE Select); coding-DNA position 185, C replaced by G.
Protein change: p.Ala62Gly; replaces alanine 62 with glycine.
Molecular consequence: missense variant. On other transcripts: non-coding transcript variant (8).
Genome position (GRCh38, 1-based): chr3:3,137,296, C>G. VCF-style: chr3-3137296-C-G. GRCh37 (hg19) VCF-style: chr3-3178980-C-G.
Other names: c.185C>G, p.Ala62Gly (LRG_1314t1, NM_001302946.2, NM_001367321.1 and 2 more transcripts); short protein forms A62G.
Identifiers: ClinVar variation 660765 (VCV000660765.4), dbSNP rs1430870230, ClinGen allele CA351442996.

ClinVar aggregate classification (germline): Uncertain significance (1 of 4 stars; one submission).

Conditions:
Congenital sideroblastic anemia-B-cell immunodeficiency-periodic fever-developmental delay syndrome. Also called: Sideroblastic anemia with B-cell immunodeficiency, periodic fevers, and developmental delay. Identifiers: Orphanet 369861, MedGen C4015172, MONDO:0014487, OMIM 616084.

Submission:

Labcorp Genetics (formerly Invitae), Labcorp
Classification: Uncertain significance for Congenital sideroblastic anemia-B-cell immunodeficiency-periodic fever-developmental delay syndrome. Last evaluated: 2022-03-11. Review status: criteria provided, single submitter. Criteria: Invitae Variant Classification Sherloc (09022015). Collection method: clinical testing. Allele origin: germline.
Comment: ClinVar contains an entry for this variant (Variation ID: 660765). This sequence change replaces alanine, which is neutral and non-polar, with glycine, which is neutral and non-polar, at codon 62 of the TRNT1 protein (p.Ala62Gly). This variant is not present in population databases (gnomAD no frequency). This variant has not been reported in the literature in individuals affected with TRNT1-related conditions. Algorithms developed to predict the effect of missense changes on protein structure and function are either unavailable or do not agree on the potential impact of this missense change (SIFT: "Deleterious"; PolyPhen-2: "Probably Damaging"; Align-GVGD: "Class C0"). In summary, the available evidence is currently insufficient to determine the role of this variant in disease. Therefore, it has been classified as a Variant of Uncertain Significance.